The following is an entry in ClinVar:

ClinVar aggregate classification (germline): Conflicting classifications of pathogenicity. Review status: criteria provided, conflicting classifications (1 of 4 stars). 3 submissions from 3 submitters: Likely pathogenic (2); Uncertain significance (1). Last evaluated 2024-05-02.

Conditions:
Bloom syndrome (BLM). Also called: Bloom-Torre-Machacek syndrome. Identifiers: Orphanet 125, MedGen C0005859, MONDO:0008876, OMIM 210900.

Allele frequency attached by ClinVar (database versions not stated): gnomAD exomes below 0.00001; ExAC 0.00001.
gnomAD v4.1: 4 of 1,614,070 alleles (0.00025%); highest among the groups gnomAD compares: South Asian, 0.0044%; no homozygotes.

Submissions (3):

Fulgent Genetics
Classification: Likely pathogenic for Bloom syndrome. Last evaluated: 2024-05-02. Review status: criteria provided, single submitter. Criteria: ACMG Guidelines, 2015. Collection method: clinical testing. Allele origin: germline.

Women's Health and Genetics/Laboratory Corporation of America, LabCorp
Classification: Uncertain significance. Last evaluated: 2023-11-07. Review status: criteria provided, single submitter. Criteria: LabCorp Variant Classification Summary - May 2015. Collection method: clinical testing. Allele origin: germline.
Comment: Variant summary: BLM c.2522T>C (p.Ile841Thr) results in a non-conservative amino acid change in the encoded protein sequence. Five of five in-silico tools predict a damaging effect of the variant on protein function. The variant allele was found at a frequency of 4e-06 in 251310 control chromosomes. c.2522T>C has been reported in the literature in at least one homozygous individual affected with Bloom Syndrome (e.g. Ellis_1995). These data indicate that the variant may be associated with disease. One publication reports experimental evidence showing impaired ATPase and helicase activities in vitro, however, does not provide sufficient evidence to allow convincing conclusions about the variant effect in disease (e.g. Guo_2007). The following publications have been ascertained in the context of this evaluation (PMID: 7585968, 17878217). No submitters have cited clinical-significance assessments for this variant to ClinVar after 2014. Based on the evidence outlined above, the variant was classified as VUS-possibly pathogenic.

Baylor Genetics
Classification: Likely pathogenic for Bloom syndrome. Last evaluated: 2023-11-06. Review status: criteria provided, single submitter. Criteria: ACMG Guidelines, 2015. Collection method: clinical testing. Allele origin: unknown.

Literature cited by the submitters: PubMed 7585968 (cited by Women's Health and Genetics/Laboratory Corporation of America, LabCorp); PubMed 17878217 (cited by Women's Health and Genetics/Laboratory Corporation of America, LabCorp).

NM_000057.4(BLM):c.2522T>C (p.Ile841Thr)

Gene: BLM (BLM RecQ like helicase; plus strand). Cytogenetic location: 15q26.1.
Variant type: single nucleotide variant.
Coding change: c.2522T>C on transcript NM_000057.4 (MANE Select); coding-DNA position 2522, T replaced by C.
Protein change: p.Ile841Thr; replaces isoleucine 841 with threonine.
Molecular consequence: missense variant.
Genome position (GRCh38, 1-based): chr15:90,769,553, T>C. VCF-style: chr15-90769553-T-C. GRCh37 (hg19) VCF-style: chr15-91312783-T-C.
Other names: c.2522T>C, p.Ile841Thr (NM_001287246.2, NM_001287247.2); c.1397T>C, p.Ile466Thr (NM_001287248.2); short protein forms I841T, I466T.
Identifiers: ClinVar variation 2680171 (VCV002680171.4), dbSNP rs767086502, ClinGen allele CA7738797.